The following is an entry in ClinVar:

ClinVar aggregate classification (germline): Conflicting classifications of pathogenicity. Review status: criteria provided, conflicting classifications (1 of 4 stars). 19 submissions from 19 submitters: Uncertain significance (13); Likely benign (4). 2 of the submissions do not count toward it. Last evaluated 2026-06-24.

Conditions:
PALB2-related cancer predisposition. Identifiers: MedGen CN377761, MONDO:0700272.
PALB2-related disorder. Also called: PALB2-related disorders; PALB2-related condition.
Breast-ovarian cancer, familial, susceptibility to, 5 (BROVCA5). Identifiers: MedGen C5830615, MONDO:0957530, OMIM 620442.
Hereditary cancer-predisposing syndrome. Also called: Hereditary neoplastic syndrome; Neoplastic Syndromes, Hereditary; Tumor predisposition; Hereditary Cancer Syndrome. Identifiers: Orphanet 140162, MedGen C0027672, MeSH D009386, MONDO:0015356.
Fanconi anemia complementation group N. Also called: PALB2-Related Fanconi Anemia. Identifiers: Orphanet 84, MedGen C1835817, MONDO:0012565, OMIM 610832. Disease mechanism: loss of function.
Familial cancer of breast. Also called: hereditary breast carcinoma; BREAST CANCER, FAMILIAL; Hereditary breast cancer. Identifiers: Orphanet 227535, MedGen C0346153, MONDO:0016419, OMIM 114480. Disease mechanism: loss of function.

Allele frequency attached by ClinVar (database versions not stated): ExAC 0.00004; gnomAD 0.00004; gnomAD exomes 0.00002 and 0.00004; TOPMed 0.00005; ESP Exome Variant Server 0.00008.

Submissions 1 to 12 of 19:

PreventionGenetics, part of Exact Sciences
Classification: Uncertain significance for PALB2-related condition. Last evaluated: 2026-06-24. Review status: criteria provided, single submitter. Criteria: ACMG Guidelines, 2015. Collection method: clinical testing. Allele origin: germline.
Comment: The PALB2 c.13C>T variant is predicted to result in the amino acid substitution p.Pro5Ser. This variant has been reported in individuals with breast cancer (Casadei et al. 2011. PubMed ID: 21285249, Table S4; Myszka et al. 2018. PubMed ID: 29052111, Table 2; Catucci et al. 2014. PubMed ID: 24556926) in an individual with ovarian cancer (Kraus et al. 2016. PubMed ID: 27616075, Table S4) and in an individual with colon cancer (Table A4, Yurgelun et al. 2017. PubMed ID: 28135145). The results of in vitro functional analyses for this variant were inconclusive (Boonen et al. 2019. PubMed ID: 31757951). This variant is reported in 0.0079% of alleles in individuals of European (Non-Finnish) descent in gnomAD and has conflicting interpretations of likely benign and uncertain significance in ClinVar (Variation ID: 126600). At this time, the clinical significance of this variant is uncertain due to the absence of conclusive functional and genetic evidence.

Labcorp Genetics (formerly Invitae), Labcorp
Classification: Uncertain significance for Familial cancer of breast. Last evaluated: 2026-01-26. Review status: criteria provided, single submitter. Criteria: Invitae Variant Classification Sherloc (09022015). Collection method: clinical testing. Allele origin: germline.
Comment: This sequence change replaces proline, which is neutral and non-polar, with serine, which is neutral and polar, at codon 5 of the PALB2 protein (p.Pro5Ser). This variant is present in population databases (rs377085677, gnomAD 0.008%). This missense change has been observed in individual(s) with breast cancer, colorectal cancer, and/or ovarian cancer (PMID: 21285249, 24556926, 26315354, 27616075, 28135145, 29052111). ClinVar contains an entry for this variant (Variation ID: 126600). An algorithm developed to predict the effect of missense changes on protein structure and function outputs the following: PolyPhen-2: "Benign". The serine amino acid residue is found in multiple mammalian species, which suggests that this missense change does not adversely affect protein function. Experimental studies are conflicting or provide insufficient evidence to determine the effect of this variant on PALB2 function (PMID: 31757951). In summary, the available evidence is currently insufficient to determine the role of this variant in disease. Therefore, it has been classified as a Variant of Uncertain Significance.

GeneDx
Classification: Uncertain significance. Last evaluated: 2025-05-20. Review status: criteria provided, single submitter. Criteria: GeneDx Variant Classification Process June 2021. Collection method: clinical testing. Allele origin: germline. Affected: yes.
Comment: Observed in individuals with breast, ovarian, and colorectal cancer (PMID: 21285249, 24556926, 26315354, 28779002, 27616075, 29052111, 28135145, 29522266); Published functional studies demonstrate partially reduced DNA repair efficiency (PMID: 31757951); In silico analysis suggests that this missense variant does not alter protein structure/function; This variant is associated with the following publications: (PMID: 21285249, 26315354, 27930734, 28135145, 27616075, 24556926, 29052111, 28779002, 29522266, 20871615, 19369211, Tuncer2023[CaseReport], 31757951, 37686625)

Dasa
Classification: Uncertain significance for Breast-ovarian cancer, familial, susceptibility to, 5. Last evaluated: 2025-01-03. Review status: criteria provided, single submitter. Criteria: DASA Assertion Criteria. Collection method: clinical testing. Allele origin: germline.
Comment: NM_024675.4(PALB2):c.13C>T (p.Pro5Ser) is a missense variant that results in the substitution of proline with serine. This variant is rare in population databases. The currently available literature and clinical evidence are not sufficient to establish a definitive association between this variant and the reported condition. Therefore, this variant is classified as a variant of uncertain significance.

Hema, HEMA – Genetic and Molecular Diagnostic Laboratory
Classification: Uncertain significance for PALB2-related cancer predisposition. Last evaluated: 2024-12-12. Review status: criteria provided, single submitter. Criteria: HEMA Variant Classification Assertion Criteria. Collection method: clinical testing. Allele origin: germline.
Comment: It is a transition from guanine to adenine, resulting in the substitution of proline 5 with serine in the PALB2 protein. BP1: Missense variant in PALB2, a gene in which pathogenic variants are primarily truncating variants according to the ClinGen Hereditary Breast, Ovarian and Pancreatic Cancer Variant Curation Expert Panel.

CeGaT Center for Human Genetics Tuebingen
Classification: Likely benign. Last evaluated: 2024-07-01. Review status: criteria provided, single submitter. Criteria: CeGaT Center For Human Genetics Tuebingen Variant Classification Criteria Version 2. Collection method: clinical testing. Allele origin: germline. Affected: yes. Observed: 3 variant alleles.
Comment: PALB2: BP1, BP4, BS3:Supporting

Quest Diagnostics Nichols Institute San Juan Capistrano
Classification: Uncertain significance. Last evaluated: 2024-04-10. Review status: criteria provided, single submitter. Criteria: Quest Diagnostics criteria. Collection method: clinical testing. Allele origin: unknown.
Comment: The PALB2 c.13C>T (p.Pro5Ser) variant has been reported in the published literature in individuals affected with breast (PMID: 29052111 (2018), 28779002 (2017), 24556926 (2014), 21285249 (2011)), ovarian (PMID: 27616075 (2016), 26315354 (2015)), or colorectal cancer (PMID: 28135145 (2017)). In a large-scale breast cancer association study, the variant was reported in individuals with breast cancer as well as unaffected study controls (PMID: 33471991 (2021), see also LOVD). In addition, an experimental study on this variant’s effects on PALB2 protein function yielded inconclusive results (PMID: 31757951 (2019)). The frequency of this variant in the general population, 0.000079 (10/126632 chromosomes (Genome Aggregation Database)), is uninformative in the assessment of its pathogenicity. Analysis of this variant using bioinformatics tools for the prediction of the effect of amino acid changes on protein structure and function yielded predictions that this variant is benign. Based on the available information, we are unable to determine the clinical significance of this variant.

Baylor Genetics
Classification: Uncertain significance for Familial cancer of breast. Last evaluated: 2024-02-17. Review status: criteria provided, single submitter. Criteria: ACMG Guidelines, 2015. Collection method: clinical testing. Allele origin: unknown.

Ambry Genetics
Classification: Likely benign for Hereditary cancer-predisposing syndrome. Last evaluated: 2023-12-28. Review status: criteria provided, single submitter. Criteria: Ambry Variant Classification Scheme 2023. Collection method: clinical testing. Allele origin: germline.

Myriad Genetics, Inc.
Classification: Likely benign for Familial cancer of breast. Last evaluated: 2023-04-03. Review status: criteria provided, single submitter. Criteria: Myriad Autosomal Dominant, Autosomal Recessive and X-Linked Classification Criteria (2023). Collection method: clinical testing. Allele origin: unknown.
Comment: This variant is considered likely benign. This variant is strongly associated with less severe personal and family histories of cancer, typical for individuals without pathogenic variants in this gene [PMID: 25085752].

Department of Pathology and Laboratory Medicine, Sinai Health System
Classification: Uncertain significance for Breast-ovarian cancer, familial, susceptibility to, 5. Last evaluated: 2022-10-18. Review status: criteria provided, single submitter. Criteria: ACMG Guidelines, 2015. Collection method: clinical testing. Allele origin: germline. Affected: yes.

MGZ Medical Genetics Center
Classification: Uncertain significance for Familial cancer of breast. Last evaluated: 2022-05-13. Review status: criteria provided, single submitter. Criteria: ACMG Guidelines, 2015. Collection method: clinical testing. Allele origin: germline. Affected: yes. Observed: 1 variant allele.
Comment: ACMG criteria applied: PS4_MOD, PM2_SUP, BP4

NM_024675.4(PALB2):c.13C>T (p.Pro5Ser)

Gene: PALB2 (partner and localizer of BRCA2; minus strand). Cytogenetic location: 16p12.2.
Variant type: single nucleotide variant.
Coding change: c.13C>T on transcript NM_024675.4 (MANE Select); coding-DNA position 13, C replaced by T.
Protein change: p.Pro5Ser; replaces proline 5 with serine.
Molecular consequence: missense variant.
Genome position (GRCh38, 1-based): chr16:23,641,145, G>A on the plus strand (C>T on the coding strand, the complement: PALB2 is on the minus strand). VCF-style: chr16-23641145-G-A. GRCh37 (hg19) VCF-style: chr16-23652466-G-A.
Other names: p.P5S:CCC>TCC; short protein forms P5S.
Identifiers: ClinVar variation 126600 (VCV000126600.71), dbSNP rs377085677, ClinGen allele CA269492.
Genomic context (GRCh38, chr16:23,641,145, plus strand): 5'-TCCGCCCTTCCCGCACCCCCGGCACCTTTTCCTTCTCCTCACAGCTGAGGGGCTTCCCGG[G>A]AGGCTCGTCCATCGGGCAGGCGACAGAACGAAAAGAGCAGCCGTCGCCGACCCCAGGCCT-3'
Protein context (NP_078951.2, residues 1-15): MDEP[Pro5Ser]GKPLSCEEKE